The following is an entry in ClinVar:

NM_145207.3(AFG2A):c.1720T>G (p.Cys574Gly)

Gene: AFG2A (AAA ATPase AFG2A; plus strand). Cytogenetic location: 4q28.1.
Variant type: single nucleotide variant.
Coding change: c.1720T>G on transcript NM_145207.3 (MANE Select); coding-DNA position 1720, T replaced by G.
Protein change: p.Cys574Gly; replaces cysteine 574 with glycine.
Molecular consequence: missense variant.
Genome position (GRCh38, 1-based): chr4:122,979,237, T>G. VCF-style: chr4-122979237-T-G. GRCh37 (hg19) VCF-style: chr4-123900392-T-G.
Other names: c.1717T>G, p.Cys573Gly (NM_001317799.2, NM_001345856.2); short protein forms C573G, C574G.
Identifiers: ClinVar variation 1423649 (VCV001423649.7), dbSNP rs754354165, ClinGen allele CA358093235.

ClinVar aggregate classification (germline): Uncertain significance (1 of 4 stars; one submission).

Conditions:
Microcephaly-intellectual disability-sensorineural hearing loss-epilepsy-abnormal muscle tone syndrome (NEDHSB). Also called: NEURODEVELOPMENTAL DISORDER WITH HEARING LOSS, SEIZURES, AND BRAIN ABNORMALITIES. Identifiers: Orphanet 457351, MedGen C4225276, MONDO:0014698, OMIM 616577.

Allele frequency attached by ClinVar (database versions not stated): TOPMed 0.00001.
gnomAD v4.1: 3 of 1,614,090 alleles (0.00019%); highest among the groups gnomAD compares: Non-Finnish European, 0.00025%; no homozygotes.

Submission:

Labcorp Genetics (formerly Invitae), Labcorp
Classification: Uncertain significance for Microcephaly-intellectual disability-sensorineural hearing loss-epilepsy-abnormal muscle tone syndrome. Last evaluated: 2022-02-05. Review status: criteria provided, single submitter. Criteria: Invitae Variant Classification Sherloc (09022015). Collection method: clinical testing. Allele origin: germline.
Comment: In summary, the available evidence is currently insufficient to determine the role of this variant in disease. Therefore, it has been classified as a Variant of Uncertain Significance. Advanced modeling of protein sequence and biophysical properties (such as structural, functional, and spatial information, amino acid conservation, physicochemical variation, residue mobility, and thermodynamic stability) performed at Invitae indicates that this missense variant is not expected to disrupt SPATA5 protein function. This variant has not been reported in the literature in individuals affected with SPATA5-related conditions. This variant is present in population databases (no rsID available, gnomAD 0.0009%). This sequence change replaces cysteine, which is neutral and slightly polar, with glycine, which is neutral and non-polar, at codon 574 of the SPATA5 protein (p.Cys574Gly).